The following is an entry in ClinVar:

NM_000135.4(FANCA):c.189+1G>T

Gene: FANCA (FA complementation group A; minus strand). Cytogenetic location: 16q24.3.
Variant type: single nucleotide variant.
Coding change: c.189+1G>T on transcript NM_000135.4 (MANE Select); the canonical splice donor site of the intron after coding-DNA position 189, G replaced by T.
Molecular consequence: splice donor variant.
Genome position (GRCh38, 1-based): chr16:89,815,876, C>A on the plus strand (G>T on the coding strand, the complement: FANCA is on the minus strand). VCF-style: chr16-89815876-C-A. GRCh37 (hg19) VCF-style: chr16-89882284-C-A.
Other names: c.189+1G>T (NM_001286167.3, NM_001351830.2, NM_001018112.3 and 1 more transcripts).
Identifiers: ClinVar variation 1029499 (VCV001029499.9), dbSNP rs891323617, ClinGen allele CA397483187.
Genomic context (GRCh38, chr16:89,815,876, plus strand): 5'-GGCTGGACTCAAAAACCCCGAACCTAAATCTGCCCGCAGACGGACACCAGCTTCCTCTTA[C>A]CTCAAGCAAAAGGGCATTCAGGTCCTGATGGCTTCGCAGGAGGCGCACAGCTGATTCCTT-3'

ClinVar aggregate classification (germline): Pathogenic/Likely pathogenic. Review status: criteria provided, multiple submitters, no conflicts (2 of 4 stars). 3 submissions from 3 submitters: Pathogenic (1); Likely pathogenic (2). Last evaluated 2024-09-29.

Conditions:
Fanconi anemia (FA). Also called: Fanconi's anemia. Identifiers: Orphanet 84, MedGen C0015625, MeSH D005199, MONDO:0019391.
Fanconi anemia complementation group A (FANCA). Also called: Fanconi anemia, group A; FANCA-Related Fanconi Anemia. Identifiers: Orphanet 84, MedGen C3469521, MONDO:0009215, OMIM 227650.

Allele frequency attached by ClinVar (database versions not stated): TOPMed below 0.00001; gnomAD 0.00001.
gnomAD v4.1: 2 of 1,610,538 alleles (0.00012%); highest among the groups gnomAD compares: Non-Finnish European, 0.00017%; no homozygotes.

Submissions (3):

Natera, Inc.
Classification: Pathogenic for Fanconi anemia. Last evaluated: 2024-09-29. Review status: criteria provided, single submitter. Criteria: Natera Variant Classification Schema (03/2026). Collection method: clinical testing. Allele origin: germline.
Comment: The c.189+1G>T variant in FANCA is a canonical splice donor site variant predicted to affect pre-mRNA splicing, which may result in an abnormal transcript and altered protein product. This variant is expected to result in nonsense mediated decay, truncation, or a dysfunctional protein product. This variant is rare in the general population with a frequency below the threshold expected for the associated phenotype(s). Another variant at this same site results in an alteration predicted to cause a similar molecular effect has been observed in individual(s) with the associated phenotype. Given the available evidence, this variant is classified as Pathogenic.

Labcorp Genetics (formerly Invitae), Labcorp
Classification: Likely pathogenic for Fanconi anemia. Last evaluated: 2022-09-19. Review status: criteria provided, single submitter. Criteria: Invitae Variant Classification Sherloc (09022015). Collection method: clinical testing. Allele origin: germline.
Comment: In summary, the currently available evidence indicates that the variant is pathogenic, but additional data are needed to prove that conclusively. Therefore, this variant has been classified as Likely Pathogenic. Algorithms developed to predict the effect of sequence changes on RNA splicing suggest that this variant may disrupt the consensus splice site. ClinVar contains an entry for this variant (Variation ID: 1029499). Disruption of this splice site has been observed in individual(s) with Fanconi anemia (PMID: 31558676). This variant is present in population databases (no rsID available, gnomAD 0.007%). This sequence change affects a donor splice site in intron 2 of the FANCA gene. It is expected to disrupt RNA splicing. Variants that disrupt the donor or acceptor splice site typically lead to a loss of protein function (PMID: 16199547), and loss-of-function variants in FANCA are known to be pathogenic (PMID: 19367192).

Baylor Genetics
Classification: Likely pathogenic for Fanconi anemia complementation group A. Last evaluated: 2020-01-07. Review status: criteria provided, single submitter. Criteria: ACMG Guidelines, 2015. Collection method: clinical testing. Allele origin: unknown. Affected: yes.
Comment: This variant was determined to be likely pathogenic according to ACMG Guidelines, 2015 [PMID:25741868].

Literature cited by the submitters: PubMed 31558676 (cited by Labcorp Genetics (formerly Invitae), Labcorp); PubMed 16199547 (cited by Labcorp Genetics (formerly Invitae), Labcorp); PubMed 19367192 (cited by Labcorp Genetics (formerly Invitae), Labcorp).